The following is an entry in ClinVar:

NM_003738.5(PTCH2):c.1203C>G (p.Gly401=)

Gene: PTCH2 (patched 2; minus strand). Cytogenetic location: 1p34.1.
Variant type: single nucleotide variant.
Coding change: c.1203C>G on transcript NM_003738.5 (MANE Select); coding-DNA position 1203, C replaced by G.
Protein change: p.Gly401=; no amino-acid change (glycine 401 retained).
Molecular consequence: synonymous variant.
Genome position (GRCh38, 1-based): chr1:44,829,414, G>C on the plus strand (C>G on the coding strand, the complement: PTCH2 is on the minus strand). VCF-style: chr1-44829414-G-C. GRCh37 (hg19) VCF-style: chr1-45295086-G-C.
Other names: c.1203C>G, p.Gly401= (NM_001166292.2).
Identifiers: ClinVar variation 3023514 (VCV003023514.3), dbSNP rs2521982223, ClinGen allele CA417562977.

ClinVar aggregate classification (germline): Uncertain significance (1 of 4 stars; one submission).

Conditions:
Gorlin syndrome. Also called: Nevoid Basal Cell Carcinoma Syndrome; Basal cell nevus syndrome. Identifiers: Orphanet 377, MedGen C0004779, MONDO:0007187.

Submission:

Labcorp Genetics (formerly Invitae), Labcorp
Classification: Uncertain significance for Gorlin syndrome. Last evaluated: 2023-05-01. Review status: criteria provided, single submitter. Criteria: Invitae Variant Classification Sherloc (09022015). Collection method: clinical testing. Allele origin: germline.
Comment: In summary, the available evidence is currently insufficient to determine the role of this variant in disease. Therefore, it has been classified as a Variant of Uncertain Significance. Algorithms developed to predict the effect of sequence changes on RNA splicing suggest that this variant may create or strengthen a splice site. This variant has not been reported in the literature in individuals affected with PTCH2-related conditions. This variant is not present in population databases (gnomAD no frequency). This sequence change affects codon 401 of the PTCH2 mRNA. It is a 'silent' change, meaning that it does not change the encoded amino acid sequence of the PTCH2 protein.